The following is an entry in ClinVar:

ClinVar aggregate classification (germline): Uncertain significance (1 of 4 stars; one submission).

Conditions:
Tatton-Brown-Rahman overgrowth syndrome. Also called: Tall stature-intellectual disability-facial dysmorphism syndrome; Tatton-Brown-Rahman syndrome. Identifiers: Orphanet 404443, MedGen C4014545, MONDO:0014382, OMIM 615879.

Allele frequency attached by ClinVar (database versions not stated): gnomAD exomes below 0.00001; ExAC 0.00001; TOPMed 0.00002.
gnomAD v4.1: 3 of 1,613,802 alleles (0.00019%); highest among the groups gnomAD compares: African/African-American, 0.004%; no homozygotes.

Submission:

Labcorp Genetics (formerly Invitae), Labcorp
Classification: Uncertain significance for Tatton-Brown-Rahman overgrowth syndrome. Last evaluated: 2022-01-14. Review status: criteria provided, single submitter. Criteria: Invitae Variant Classification Sherloc (09022015). Collection method: clinical testing. Allele origin: germline.
Comment: This sequence change replaces leucine, which is neutral and non-polar, with proline, which is neutral and non-polar, at codon 383 of the DNMT3A protein (p.Leu383Pro). This variant is present in population databases (rs769153444, gnomAD 0.01%). This variant has not been reported in the literature in individuals affected with DNMT3A-related conditions. Algorithms developed to predict the effect of missense changes on protein structure and function (SIFT, PolyPhen-2, Align-GVGD) all suggest that this variant is likely to be tolerated. In summary, the available evidence is currently insufficient to determine the role of this variant in disease. Therefore, it has been classified as a Variant of Uncertain Significance.

NM_022552.5(DNMT3A):c.1148T>C (p.Leu383Pro)

Gene: DNMT3A (DNA methyltransferase 3 alpha; minus strand). Cytogenetic location: 2p23.3.
Variant type: single nucleotide variant.
Coding change: c.1148T>C on transcript NM_022552.5 (MANE Select); coding-DNA position 1148, T replaced by C.
Protein change: p.Leu383Pro; replaces leucine 383 with proline.
Molecular consequence: missense variant. On other transcripts: non-coding transcript variant (1).
Genome position (GRCh38, 1-based): chr2:25,246,751, A>G on the plus strand (T>C on the coding strand, the complement: DNMT3A is on the minus strand). VCF-style: chr2-25246751-A-G. GRCh37 (hg19) VCF-style: chr2-25469620-A-G.
Other names: c.692T>C, p.Leu231Pro (NM_001320893.1); c.479T>C, p.Leu160Pro (NM_001375819.1); c.581T>C, p.Leu194Pro (NM_153759.3); c.1148T>C, p.Leu383Pro (NM_175629.2); short protein forms L194P, L231P, L160P, L383P.
Identifiers: ClinVar variation 2193763 (VCV002193763.4), dbSNP rs769153444, ClinGen allele CA1556121.
Genomic context (GRCh38, chr2:25,246,751, plus strand): 5'-TTCTGCACCTCCACGGCCTTGGCAGTGTCACTCTCATCGCTGTCGTGGCACACCGGGAAC[A>G]GCTTCCCCGCGCGGCTGCTGGCCACCTGGAGGGTGACACGCCAGGGTTGGGGTTGTCAGG-3'
Protein context (NP_072046.2, residues 373-393): LQVASSRAGK[Leu383Pro]FPVCHDSDES